The following is an entry in ClinVar:

NM_002449.5(MSX2):c.443C>T (p.Pro148Leu)

Gene: MSX2 (msh homeobox 2; plus strand). Cytogenetic location: 5q35.2.
Variant type: single nucleotide variant.
Coding change: c.443C>T on transcript NM_002449.5 (MANE Select); coding-DNA position 443, C replaced by T.
Protein change: p.Pro148Leu; replaces proline 148 with leucine.
Molecular consequence: missense variant. On other transcripts: 3 prime UTR variant (1).
Genome position (GRCh38, 1-based): chr5:174,729,222, C>T. VCF-style: chr5-174729222-C-T. GRCh37 (hg19) VCF-style: chr5-174156225-C-T.
Other names: c.*67C>T (NM_001363626.2); short protein forms P148L.
Identifiers: ClinVar variation 219192 (VCV000219192.8), dbSNP rs104893895, ClinGen allele CA251352.

ClinVar aggregate classification (germline): Pathogenic. Review status: criteria provided, single submitter (1 of 4 stars). 2 submissions from 2 submitters: Pathogenic (1). 1 of the submissions does not count toward it. Last evaluated 2023-01-10.

Conditions:
Cranium bifidum occultum. Also called: CATLIN MARKS; CRANIUM BIFIDUM, HEREDITARY; Enlarged Parietal Foramina. Identifiers: MedGen C1868598, HP:0004423.
Craniosynostosis 2 (CRS2). Also called: Warman-Mulliken-Hayward syndrome; Craniosynostosis Warman type; Craniosynostosis Boston type. Identifiers: Orphanet 1541, MedGen C1858160, MONDO:0011481, OMIM 604757.

Submissions (2):

Labcorp Genetics (formerly Invitae), Labcorp
Classification: Pathogenic for Cranium bifidum occultum. Last evaluated: 2023-01-10. Review status: criteria provided, single submitter. Criteria: Invitae Variant Classification Sherloc (09022015). Collection method: clinical testing. Allele origin: germline.
Comment: For these reasons, this variant has been classified as Pathogenic. This variant disrupts the p.Pro148 amino acid residue in MSX2. Other variant(s) that disrupt this residue have been determined to be pathogenic (PMID: 8106171). This suggests that this residue is clinically significant, and that variants that disrupt this residue are likely to be disease-causing. Advanced modeling of protein sequence and biophysical properties (such as structural, functional, and spatial information, amino acid conservation, physicochemical variation, residue mobility, and thermodynamic stability) performed at Invitae indicates that this missense variant is expected to disrupt MSX2 protein function. ClinVar contains an entry for this variant (Variation ID: 219192). This missense change has been observed in individuals with Boston-type craniosynostosis (PMID: 23918290, 23949913). It has also been observed to segregate with disease in related individuals. This variant is not present in population databases (gnomAD no frequency). This sequence change replaces proline, which is neutral and non-polar, with leucine, which is neutral and non-polar, at codon 148 of the MSX2 protein (p.Pro148Leu).

OMIM
Classification: Pathogenic for CRANIOSYNOSTOSIS 2. Last evaluated: 2013-10-01. Review status: no assertion criteria provided. Collection method: literature only. Allele origin: germline. Not counted in ClinVar's aggregate classification.

Literature cited by the submitters: PubMed 8106171 (cited by Labcorp Genetics (formerly Invitae), Labcorp); PubMed 23918290 (cited by Labcorp Genetics (formerly Invitae), Labcorp); PubMed 23949913 (cited by Labcorp Genetics (formerly Invitae), Labcorp and OMIM).